The following is an entry in ClinVar:

ClinVar aggregate classification (germline): Pathogenic. Review status: criteria provided, single submitter (1 of 4 stars). 3 submissions from 3 submitters: Pathogenic (1). 2 of the submissions do not count toward it. Last evaluated 2024-01-06.

Conditions:
Mitochondrial DNA depletion syndrome 1. Also called: Mitochondrial neurogastrointestinal encephalomyopathy syndrome; POLIP SYNDROME; POLYNEUROPATHY, OPHTHALMOPLEGIA, LEUKOENCEPHALOPATHY, AND INTESTINAL PSEUDOOBSTRUCTION; Mitochondrial DNA Depletion Syndrome, MNGIE Form; Mitochondrial Neurogastrointestinal Encephalopathy Disease; MITOCHONDRIAL NEUROGASTROINTESTINAL ENCEPHALOPATHY SYNDROME, TYMP-RELATED. Identifiers: Orphanet 298, MedGen C4551995, MONDO:0011283, OMIM 603041.

Submissions (3):

Labcorp Genetics (formerly Invitae), Labcorp
Classification: Pathogenic. Last evaluated: 2024-01-06. Review status: criteria provided, single submitter. Criteria: Invitae Variant Classification Sherloc (09022015). Collection method: clinical testing. Allele origin: germline.
Comment: This sequence change results in a frameshift in the TYMP gene (p.Gly363Glufs*). While this is not anticipated to result in nonsense mediated decay, it is expected to disrupt the last 120 amino acid(s) of the TYMP protein and extend the protein by an uncertain number of additional amino acid residues. This variant is not present in population databases (gnomAD no frequency). This variant has not been reported in the literature in individuals affected with TYMP-related conditions. ClinVar contains an entry for this variant (Variation ID: 223083). This variant results in an extension of the TYMP protein. Other variant(s) that result in a similarly extended protein product (p.Phe473Serfs*?) have been determined to be pathogenic (PMID: 21412940). This suggests that these extensions are likely to be disease-causing. For these reasons, this variant has been classified as Pathogenic.

GeneReviews
Classification: Pathogenic for Mitochondrial DNA depletion syndrome 1. Last evaluated: 2016-01-14. Review status: no assertion criteria provided. Collection method: literature only. Allele origin: germline. Affected: yes. Not counted in ClinVar's aggregate classification.

Genomics England Pilot Project, Genomics England
Classification: Pathogenic for Mitochondrial DNA depletion syndrome 1. Review status: no assertion criteria provided. Criteria: ACGS Guidelines, 2016. Collection method: clinical testing. Allele origin: germline. Affected: yes. Not counted in ClinVar's aggregate classification.

Literature cited by the submitters: PubMed 21412940 (cited by Labcorp Genetics (formerly Invitae), Labcorp); PubMed 19748572 (cited by GeneReviews).

NM_001953.5(TYMP):c.1088del (p.Gly363fs)

Genes: SCO2 (synthesis of cytochrome C oxidase 2; minus strand), TYMP (thymidine phosphorylase; minus strand), LOC130067862 (ATAC-STARR-seq lymphoblastoid silent region 13986; plus strand). Cytogenetic location: 22q13.33.
Variant type: Deletion.
Coding change: c.1088del on transcript NM_001953.5 (MANE Select); coding-DNA position 1088, one base deleted (G; older notation c.1088delG).
Protein change: p.Gly363fs; shifts the reading frame from glycine 363.
Molecular consequence: frameshift variant. On other transcripts: 5 prime UTR variant (1).
Genome position (GRCh38, 1-based): chr22:50,526,317, C deleted on the plus strand (G on the coding strand, the reverse complement: TYMP is on the minus strand); the first of 3 consecutive C bases (chr22:50,526,317-50,526,319); deleting any one gives the same sequence. VCF-style (leftmost placement, unchanged base first): chr22-50526316-TC-T. GRCh37 (hg19) VCF-style: chr22-50964745-TC-T.
Other names: c.1088del, p.Gly363fs (NM_001113755.3, NM_001113756.3, NM_001257988.1 and 1 more transcripts); c.-85del (NM_001169109.2); short protein forms G363fs.
Identifiers: ClinVar variation 223083 (VCV000223083.7), dbSNP rs1060499535, ClinGen allele CA16616816.